The following is an entry in ClinVar:

NM_006070.6(TFG):c.352C>T (p.Arg118Cys)

Gene: TFG (trafficking from ER to golgi regulator; plus strand). Cytogenetic location: 3q12.2.
Variant type: single nucleotide variant.
Coding change: c.352C>T on transcript NM_006070.6 (MANE Select); coding-DNA position 352, C replaced by T.
Protein change: p.Arg118Cys; replaces arginine 118 with cysteine.
Molecular consequence: missense variant.
Genome position (GRCh38, 1-based): chr3:100,728,795, C>T. VCF-style: chr3-100728795-C-T. GRCh37 (hg19) VCF-style: chr3-100447639-C-T.
Other names: c.352C>T, p.Arg118Cys (NM_001007565.2, NM_001195478.2, NM_001195479.2); c.352C>T (NM_006070.5); short protein forms R118C.
Identifiers: ClinVar variation 2939756 (VCV002939756.4), dbSNP rs758011641, ClinGen allele CA2517055.

ClinVar aggregate classification (germline): Uncertain significance. Review status: criteria provided, multiple submitters, no conflicts (2 of 4 stars). 2 submissions from 2 submitters: Uncertain significance (2). Last evaluated 2025-11-25.

Conditions:
Inborn genetic diseases. Identifiers: MedGen C0950123, MeSH D030342.
Hereditary motor and sensory neuropathy, Okinawa type (HMSNO). Also called: HEREDITARY MOTOR AND SENSORY NEUROPATHY, PROXIMAL TYPE. Identifiers: Orphanet 90117, MedGen C1858338, MONDO:0011468, OMIM 604484.
Hereditary spastic paraplegia 57. Also called: Spastic paraplegia 57, autosomal recessive. Identifiers: Orphanet 431329, MedGen C3714897, MONDO:0014295, OMIM 615658.

Allele frequency attached by ClinVar (database versions not stated): gnomAD exomes 0.00001; TOPMed 0.00001; ExAC 0.00001.

Submissions (2):

Labcorp Genetics (formerly Invitae), Labcorp
Classification: Uncertain significance for Hereditary motor and sensory neuropathy, Okinawa type; Hereditary spastic paraplegia 57. Last evaluated: 2025-11-25. Review status: criteria provided, single submitter. Criteria: Invitae Variant Classification Sherloc (09022015). Collection method: clinical testing. Allele origin: germline.
Comment: This sequence change replaces arginine, which is basic and polar, with cysteine, which is neutral and slightly polar, at codon 118 of the TFG protein (p.Arg118Cys). This variant is present in population databases (rs758011641, gnomAD 0.01%). This variant has not been reported in the literature in individuals affected with TFG-related conditions. ClinVar contains an entry for this variant (Variation ID: 2939756). Invitae Evidence Modeling of protein sequence and biophysical properties (such as structural, functional, and spatial information, amino acid conservation, physicochemical variation, residue mobility, and thermodynamic stability) indicates that this missense variant is not expected to disrupt TFG protein function with a negative predictive value of 80%. In summary, the available evidence is currently insufficient to determine the role of this variant in disease. Therefore, it has been classified as a Variant of Uncertain Significance.

Ambry Genetics
Classification: Uncertain significance for Inborn genetic diseases. Last evaluated: 2025-08-31. Review status: criteria provided, single submitter. Criteria: Ambry Variant Classification Scheme 2023. Collection method: clinical testing. Allele origin: germline.